The following is an entry in ClinVar:

ClinVar aggregate classification (germline): Uncertain significance (1 of 4 stars; one submission).

Conditions:
YAP1-related disorder. Also called: YAP1-related condition.

Submission:

PreventionGenetics, part of Exact Sciences
Classification: Uncertain significance for YAP1-related condition. Last evaluated: 2026-09-22. Review status: criteria provided, single submitter. Criteria: ACMG Guidelines, 2015. Collection method: clinical testing. Allele origin: germline.
Comment: The YAP1 c.739dupT variant is predicted to result in a frameshift and premature protein termination (p.Tyr247Leufs*6). To our knowledge, this variant has not been reported in the literature or in a large population database (gnomAD), indicating this variant is rare. Although we suspect that this variant may be pathogenic, at this time, the clinical significance of this variant is uncertain due to the absence of conclusive functional and genetic evidence.

NM_001130145.3(YAP1):c.739dup (p.Tyr247fs)

Gene: YAP1 (Yes1 associated transcriptional regulator; plus strand). Cytogenetic location: 11q22.1.
Variant type: Duplication.
Coding change: c.739dup on transcript NM_001130145.3 (MANE Select); coding-DNA position 739, one base duplicated (T; older notation c.739dupT).
Protein change: p.Tyr247fs; shifts the reading frame from tyrosine 247.
Molecular consequence: frameshift variant. On other transcripts: intron variant (4).
Genome position (GRCh38, 1-based): chr11:102,186,068, T duplicated; the last of 3 consecutive T bases (chr11:102,186,066-102,186,068); duplicating any one gives the same sequence. VCF-style (leftmost placement, unchanged base first): chr11-102186065-A-AT. GRCh37 (hg19) VCF-style: chr11-102056796-A-AT.
Other names: c.205dup, p.Tyr69fs (NM_001195045.2); c.739dup, p.Tyr247fs (NM_001282100.2, NM_001282101.2, NM_001195044.2); c.689-19825dup (NM_001282099.2, NM_001282098.2, NM_001282097.2 and 1 more transcripts); short protein forms Y247fs, Y69fs.
Identifiers: ClinVar variation 3346282 (VCV003346282.2).